The following is an entry in ClinVar:

ClinVar aggregate classification (germline): Uncertain significance (1 of 4 stars; one submission).

Conditions:
Intellectual developmental disorder, X-linked 1. Also called: Atkin Flaitz Patil Smith syndrome; Intellectual disability, X-linked 1; MENTAL RETARDATION, X-LINKED 18; MENTAL RETARDATION, X-LINKED 78. Identifiers: Orphanet 777, MedGen C2931498, MONDO:0010656, OMIM 309530.

Submission:

Labcorp Genetics (formerly Invitae), Labcorp
Classification: Uncertain significance for Intellectual developmental disorder, X-linked 1. Last evaluated: 2021-05-08. Review status: criteria provided, single submitter. Criteria: Invitae Variant Classification Sherloc (09022015). Collection method: clinical testing. Allele origin: germline.
Comment: This sequence change replaces proline with arginine at codon 539 of the IQSEC2 protein (p.Pro539Arg). The proline residue is weakly conserved and there is a moderate physicochemical difference between proline and arginine. This variant is not present in population databases (ExAC no frequency). This variant has been observed in individual(s) with clinical features of IQSEC2-related conditions (Invitae). Advanced modeling of protein sequence and biophysical properties (such as structural, functional, and spatial information, amino acid conservation, physicochemical variation, residue mobility, and thermodynamic stability) performed at Invitae indicates that this missense variant is not expected to disrupt IQSEC2 protein function. In summary, the available evidence is currently insufficient to determine the role of this variant in disease. Therefore, it has been classified as a Variant of Uncertain Significance.

NM_001111125.3(IQSEC2):c.1616C>G (p.Pro539Arg)

Gene: IQSEC2 (IQ motif and Sec7 domain ArfGEF 2; minus strand). Cytogenetic location: Xp11.22.
Variant type: single nucleotide variant.
Coding change: c.1616C>G on transcript NM_001111125.3 (MANE Select); coding-DNA position 1616, C replaced by G.
Protein change: p.Pro539Arg; replaces proline 539 with arginine.
Molecular consequence: missense variant.
Genome position (GRCh38, 1-based): chrX:53,250,960, G>C on the plus strand (C>G on the coding strand, the complement: IQSEC2 is on the minus strand). VCF-style: chrX-53250960-G-C. GRCh37 (hg19) VCF-style: chrX-53280142-G-C.
Other names: c.1001C>G, p.Pro334Arg (NM_015075.2); short protein forms P539R, P334R.
Identifiers: ClinVar variation 1433532 (VCV001433532.8), dbSNP rs2147102337, ClinGen allele CA413165026.